The following is an entry in ClinVar:

ClinVar aggregate classification (germline): Likely pathogenic (1 of 4 stars; one submission).

Submission:

GeneDx
Classification: Likely pathogenic. Last evaluated: 2018-12-03. Review status: criteria provided, single submitter. Criteria: GeneDx Variant Classification (06012015). Collection method: clinical testing. Allele origin: germline. Affected: yes.
Comment: The c.13998dupA variant in the SYNE1 gene has not been reported previously as a pathogenic variant nor as a benign variant, to our knowledge. The c.13998dupA variant causes a frameshift starting with codon Glutamic Acid 4667, changes this amino acid to an Arginine residue, and creates a premature Stop codon at position 34 of the new reading frame, denoted p.Glu4667ArgfsX34. This variant is predicted to cause loss of normal protein function either through protein truncation or nonsense-mediated mRNA decay. The c.13998dupA variant is not observed in large population cohorts (Lek et al., 2016). We interpret c.13998dupA as a likely pathogenic variant.

NM_182961.4(SYNE1):c.14211dup (p.Glu4738fs)

Gene: SYNE1 (spectrin repeat containing nuclear envelope protein 1; minus strand). Cytogenetic location: 6q25.2.
Variant type: Duplication.
Coding change: c.14211dup on transcript NM_182961.4 (MANE Select); coding-DNA position 14211, one base duplicated (A; older notation c.14211dupA).
Protein change: p.Glu4738fs; shifts the reading frame from glutamic acid 4738.
Molecular consequence: frameshift variant.
Genome position (GRCh38, 1-based): chr6:152,330,474, T duplicated on the plus strand (A on the coding strand, the reverse complement: SYNE1 is on the minus strand); the first of 6 consecutive T bases (chr6:152,330,474-152,330,479); duplicating any one gives the same sequence. VCF-style (leftmost placement, unchanged base first): chr6-152330473-C-CT. GRCh37 (hg19) VCF-style: chr6-152651608-C-CT.
Other names: c.13998dupA (NM_033071.3); c.13998dup, p.Glu4667fs (NM_033071.5); short protein forms E4738fs, E4667fs.
Identifiers: ClinVar variation 817928 (VCV000817928.1), dbSNP rs748695956, ClinGen allele CA4056045.